The following is an entry in ClinVar:

ClinVar aggregate classification (germline): Conflicting classifications of pathogenicity. Review status: criteria provided, conflicting classifications (1 of 4 stars). 8 submissions from 8 submitters: Pathogenic (2); Likely pathogenic (3); Uncertain significance (2). 1 of the submissions does not count toward it. Last evaluated 2025-08-15.

Conditions:
Mucopolysaccharidosis, MPS-III-A (MPS3A). Also called: Mucopolysaccharidosis, type IIIA; MPS IIIA (Sanfilippo Syndrome Type A); MPS III A; SANFILIPPO SYNDROME A; SULFAMIDASE DEFICIENCY; Mucopolysaccharidosis type IIIA (Sanfilippo A). Identifiers: Orphanet 581, Orphanet 79269, MedGen C0086647, MONDO:0009655, OMIM 252900.

Allele frequency attached by ClinVar (database versions not stated): ExAC 0.00003; gnomAD exomes 0.00002.
gnomAD v4.1: 10 of 1,609,236 alleles (0.00062%); highest among the groups gnomAD compares: East Asian, 0.022%; no homozygotes.

Submissions (8):

Women's Health and Genetics/Laboratory Corporation of America, LabCorp
Classification: Likely pathogenic for Mucopolysaccharidosis, MPS-III-A. Last evaluated: 2025-08-15. Review status: criteria provided, single submitter. Criteria: LabCorp Variant Classification Summary - May 2015. Collection method: clinical testing. Allele origin: germline.
Comment: Variant summary: SGSH c.1040C>T (p.Ser347Phe) results in a non-conservative amino acid change in the encoded protein sequence. Algorithms developed to predict the effect of missense changes on protein structure and function all suggest that this variant is likely to be disruptive. The variant allele was found at a frequency of 2.4e-05 in 246220 control chromosomes. c.1040C>T has been observed in individual(s) affected with Mucopolysaccharidosis, MPS-III-A (Miyasaki_2002, Kim_2015). These data indicate that the variant may be associated with disease. To our knowledge, no experimental evidence demonstrating an impact on protein function has been reported. The following publications have been ascertained in the context of this evaluation (PMID: 12438493). ClinVar contains an entry for this variant (Variation ID: 556217). Based on the evidence outlined above, the variant was classified as likely pathogenic.

Natera, Inc.
Classification: Likely pathogenic for Mucopolysaccharidosis type IIIA. Last evaluated: 2024-11-06. Review status: criteria provided, single submitter. Criteria: Natera Variant Classification Schema (03/2026). Collection method: clinical testing. Allele origin: germline.
Comment: The c.1040C>T variant in SGSH is a missense variant predicted to cause substitution of serine to phenylalanine at amino acid 347. This variant is rare in the general population with a frequency below the threshold expected for the associated phenotype(s). This variant has been observed in one or more individuals affected with the associated recessive disease, as either homozygous or compound heterozygous with a second variant (PMID: 35629088). Computational prediction algorithms indicate this variant is likely to affect gene or protein function. Given the available evidence, this variant is classified as Likely Pathogenic.

Fulgent Genetics
Classification: Likely pathogenic for Mucopolysaccharidosis, MPS-III-A. Last evaluated: 2024-04-17. Review status: criteria provided, single submitter. Criteria: ACMG Guidelines, 2015. Collection method: clinical testing. Allele origin: germline.

3billion
Classification: Uncertain significance for Mucopolysaccharidosis, MPS-III-A. Last evaluated: 2023-09-07. Review status: criteria provided, single submitter. Criteria: ACMG Guidelines, 2015. Collection method: clinical testing. Allele origin: germline. Affected: yes.
Comment: The variant is observed at an extremely low frequency in the gnomAD v2.1.1 dataset (total allele frequency: 0.002%). Predicted Consequence/Location: Missense variant In silico tool predictions suggest damaging effect of the variant on gene or gene product [REVEL: 0.97 (>=0.6, sensitivity 0.68 and specificity 0.92); 3Cnet: 0.98 (>=0.6, sensitivity 0.72 and precision 0.9)]. Same nucleotide change resulting in same amino acid change has been previously reported to be associated with SGSH related disorder (PMID: 12438493). However, the evidence of pathogenicity is insufficient at this time. Therefore, this variant is classified as VUS according to the recommendation of ACMG/AMP guideline.

Baylor Genetics
Classification: Pathogenic for Mucopolysaccharidosis, MPS-III-A. Last evaluated: 2023-06-21. Review status: criteria provided, single submitter. Criteria: ACMG Guidelines, 2015. Collection method: clinical testing. Allele origin: unknown.

Labcorp Genetics (formerly Invitae), Labcorp
Classification: Pathogenic for Mucopolysaccharidosis, MPS-III-A. Last evaluated: 2023-01-05. Review status: criteria provided, single submitter. Criteria: Invitae Variant Classification Sherloc (09022015). Collection method: clinical testing. Allele origin: germline.
Comment: ClinVar contains an entry for this variant (Variation ID: 556217). This sequence change replaces serine, which is neutral and polar, with phenylalanine, which is neutral and non-polar, at codon 347 of the SGSH protein (p.Ser347Phe). This variant is present in population databases (rs780239925, gnomAD 0.03%). This missense change has been observed in individual(s) with mucopolysaccharidosis type III (PMID: 12438493; Kim B et al. 2015. J. Korean Soc. Inherit Metab Dis. 15:44). This variant is also known as c.1052C>T. Advanced modeling of protein sequence and biophysical properties (such as structural, functional, and spatial information, amino acid conservation, physicochemical variation, residue mobility, and thermodynamic stability) performed at Invitae indicates that this missense variant is expected to disrupt SGSH protein function. This variant disrupts the p.Ser347 amino acid residue in SGSH. Other variant(s) that disrupt this residue have been observed in individuals with SGSH-related conditions (PMID: 12438493, 21061399), which suggests that this may be a clinically significant amino acid residue. For these reasons, this variant has been classified as Pathogenic.

Genome-Nilou Lab
Classification: Uncertain significance for Mucopolysaccharidosis, MPS-III-A. Last evaluated: 2021-11-07. Review status: criteria provided, single submitter. Criteria: ACMG Guidelines, 2015. Collection method: clinical testing. Allele origin: germline. Affected: no.

Counsyl
Classification: Uncertain significance for Mucopolysaccharidosis, MPS-III-A. Last evaluated: 2018-01-18. Review status: no assertion criteria provided. Collection method: clinical testing. Allele origin: unknown. Not counted in ClinVar's aggregate classification.

Literature cited by the submitters: PubMed 12438493 (cited by 4 submitters); PubMed 35629088 (cited by Natera, Inc.); PubMed 2015 (cited by Labcorp Genetics (formerly Invitae), Labcorp); PubMed 15 (cited by Labcorp Genetics (formerly Invitae), Labcorp); PubMed 44 (cited by Labcorp Genetics (formerly Invitae), Labcorp); PubMed 21061399 (cited by Labcorp Genetics (formerly Invitae), Labcorp); PubMed 24816101 (cited by Counsyl).

NM_000199.5(SGSH):c.1040C>T (p.Ser347Phe)

Gene: SGSH (N-sulfoglucosamine sulfohydrolase; minus strand). Cytogenetic location: 17q25.3.
Variant type: single nucleotide variant.
Coding change: c.1040C>T on transcript NM_000199.5 (MANE Select); coding-DNA position 1040, C replaced by T.
Protein change: p.Ser347Phe; replaces serine 347 with phenylalanine.
Molecular consequence: missense variant. On other transcripts: 3 prime UTR variant (2), non-coding transcript variant (1).
Genome position (GRCh38, 1-based): chr17:80,210,921, G>A on the plus strand (C>T on the coding strand, the complement: SGSH is on the minus strand). VCF-style: chr17-80210921-G-A. GRCh37 (hg19) VCF-style: chr17-78184720-G-A.
Other names: c.*127C>T (NM_001352921.3); c.*90C>T (NM_001352922.2); c.1040C>T (NM_000199.4); short protein forms S347F.
Identifiers: ClinVar variation 556217 (VCV000556217.16), dbSNP rs780239925, ClinGen allele CA8817688.